The following is an entry in ClinVar:

NM_013275.6(ANKRD11):c.6677T>C (p.Val2226Ala)

Gene: ANKRD11 (ankyrin repeat domain 11; minus strand). Cytogenetic location: 16q24.3.
Variant type: single nucleotide variant.
Coding change: c.6677T>C on transcript NM_013275.6 (MANE Select); coding-DNA position 6677, T replaced by C.
Protein change: p.Val2226Ala; replaces valine 2226 with alanine.
Molecular consequence: missense variant.
Genome position (GRCh38, 1-based): chr16:89,279,865, A>G on the plus strand (T>C on the coding strand, the complement: ANKRD11 is on the minus strand). VCF-style: chr16-89279865-A-G. GRCh37 (hg19) VCF-style: chr16-89346273-A-G.
Other names: c.6677T>C, p.Val2226Ala (NM_001256182.2, NM_001256183.2); short protein forms V2226A.
Identifiers: ClinVar variation 3902872 (VCV003902872.2).

ClinVar aggregate classification (germline): Uncertain significance (1 of 4 stars; one submission).

Submission:

GeneDx
Classification: Uncertain significance. Last evaluated: 2025-08-07. Review status: criteria provided, single submitter. Criteria: GeneDx Variant Classification Process June 2021. Collection method: clinical testing. Allele origin: germline.
Comment: Not observed at significant frequency in large population cohorts (gnomAD); In silico analysis suggests that this missense variant does not alter protein structure/function; Has not been previously published as pathogenic or benign to our knowledge